The following is an entry in ClinVar:

NM_001267550.2(TTN):c.102890A>C (p.Lys34297Thr)

Genes: TTN (titin; minus strand), TTN-AS1 (TTN antisense RNA 1; plus strand). Cytogenetic location: 2q31.2.
Variant type: single nucleotide variant.
Coding change: c.102890A>C on transcript NM_001267550.2 (MANE Select); coding-DNA position 102890, A replaced by C.
Protein change: p.Lys34297Thr; replaces lysine 34297 with threonine.
Molecular consequence: missense variant.
Genome position (GRCh38, 1-based): chr2:178,533,725, T>G on the plus strand (A>C on the coding strand, the complement: TTN is on the minus strand). VCF-style: chr2-178533725-T-G. GRCh37 (hg19) VCF-style: chr2-179398452-T-G.
Other names: c.97967A>C, p.Lys32656Thr (NM_001256850.1); c.75695A>C, p.Lys25232Thr (NM_003319.4); c.95186A>C, p.Lys31729Thr (NM_133378.4); c.76070A>C, p.Lys25357Thr (NM_133432.3); c.76271A>C, p.Lys25424Thr (NM_133437.4); short protein forms K34297T, K25424T, K25357T, K31729T, K32656T, K25232T.
Identifiers: ClinVar variation 566281 (VCV000566281.9), dbSNP rs1559029083, ClinGen allele CA349415845.
Genomic context (GRCh38, chr2:178,533,725, plus strand): 5'-TGGTAAAGACCCTTGTCTGACTCAAATGTGTACTTCTTGTCATTGTCACCTGGTTTGATT[T>G]TCTGACCTGATTTATACCATGTTACATGAGGCTCTGGGTGGACAGTTATAGTTACTCCAA-3'
Protein context (NP_001254479.2, residues 34287-34307): PHVTWYKSGQ[Lys34297Thr]IKPGDNDKKY

ClinVar aggregate classification (germline): Uncertain significance (1 of 4 stars; one submission).

Conditions:
Dilated cardiomyopathy 1G (CMD1G). Identifiers: Orphanet 154, MedGen C1858763, MONDO:0011400, OMIM 604145.
Autosomal recessive limb-girdle muscular dystrophy type 2J (LGMDR10). Also called: MUSCULAR DYSTROPHY, LIMB-GIRDLE, AUTOSOMAL RECESSIVE 10; Limb-girdle muscular dystrophy, type 2J. Identifiers: Orphanet 140922, MedGen C1837342, MONDO:0012127, OMIM 608807.

Submission:

Labcorp Genetics (formerly Invitae), Labcorp
Classification: Uncertain significance for Dilated cardiomyopathy 1G; Autosomal recessive limb-girdle muscular dystrophy type 2J. Last evaluated: 2022-03-09. Review status: criteria provided, single submitter. Criteria: Invitae Variant Classification Sherloc (09022015). Collection method: clinical testing. Allele origin: germline.
Comment: In summary, the available evidence is currently insufficient to determine the role of this variant in disease. Therefore, it has been classified as a Variant of Uncertain Significance. This variant is located in the M band of TTN (PMID: 25589632). Variants in this region may be relevant for neuromuscular disorders, but have not been definitively shown to cause cardiomyopathy (PMID: 23975875). Experimental studies and prediction algorithms are not available or were not evaluated, and the functional significance of this variant is currently unknown. ClinVar contains an entry for this variant (Variation ID: 566281). This variant has not been reported in the literature in individuals affected with TTN-related conditions. This variant is not present in population databases (gnomAD no frequency). This sequence change replaces lysine, which is basic and polar, with threonine, which is neutral and polar, at codon 34297 of the TTN protein (p.Lys34297Thr).

Literature cited by the submitters: PubMed 25589632; PubMed 23975875.